The following is an entry in ClinVar:

ClinVar aggregate classification (germline): Likely benign. Review status: criteria provided, multiple submitters, no conflicts (2 of 4 stars). 2 submissions from 2 submitters: Likely benign (2). Last evaluated 2024-10-24.

Conditions:
Birt-Hogg-Dube syndrome 1 (BHD1). Also called: FIBROFOLLICULOMAS WITH TRICHODISCOMAS AND ACROCHORDONS. Identifiers: Orphanet 122, MedGen CN375946, MONDO:0800445, OMIM 135150.
Birt-Hogg-Dube syndrome. Also called: Birt Hogg Dubé syndrome. Identifiers: Orphanet 122, MedGen C0346010, MONDO:0800444.

Submissions (2):

Myriad Genetics, Inc.
Classification: Likely benign for Birt-Hogg-Dube syndrome 1. Last evaluated: 2024-10-24. Review status: criteria provided, single submitter. Criteria: Myriad Autosomal Dominant, Autosomal Recessive and X-Linked Classification Criteria (2023). Collection method: clinical testing. Allele origin: unknown.
Comment: This variant is considered likely benign. This variant is intronic and is not expected to impact mRNA splicing.

Labcorp Genetics (formerly Invitae), Labcorp
Classification: Likely benign for Birt-Hogg-Dube syndrome. Last evaluated: 2021-12-11. Review status: criteria provided, single submitter. Criteria: Invitae Variant Classification Sherloc (09022015). Collection method: clinical testing. Allele origin: germline.

NM_144997.7(FLCN):c.1300+10C>T

Gene: FLCN (folliculin; minus strand). Cytogenetic location: 17p11.2.
Variant type: single nucleotide variant.
Coding change: c.1300+10C>T on transcript NM_144997.7 (MANE Select); 10 bases into the intron after coding-DNA position 1300, C replaced by T.
Molecular consequence: intron variant.
Genome position (GRCh38, 1-based): chr17:17,216,370, G>A on the plus strand (C>T on the coding strand, the complement: FLCN is on the minus strand). VCF-style: chr17-17216370-G-A. GRCh37 (hg19) VCF-style: chr17-17119684-G-A.
Other names: c.1300+10C>T (NM_001353231.2, NM_001353230.2); c.1354+10C>T (NM_001353229.2).
Identifiers: ClinVar variation 1547517 (VCV001547517.9), dbSNP rs779288100, ClinGen allele CA2573153073.